The following is an entry in ClinVar:

NM_005340.7(HINT1):c.217-111T>G

Gene: HINT1 (histidine triad nucleotide binding protein 1; minus strand). Cytogenetic location: 5q23.3.
Variant type: single nucleotide variant.
Coding change: c.217-111T>G on transcript NM_005340.7 (MANE Select); 111 bases into the intron before coding-DNA position 217, T replaced by G.
Molecular consequence: intron variant.
Genome position (GRCh38, 1-based): chr5:131,159,722, A>C on the plus strand (T>G on the coding strand, the complement: HINT1 is on the minus strand). VCF-style: chr5-131159722-A-C. GRCh37 (hg19) VCF-style: chr5-130495415-A-C.
Identifiers: ClinVar variation 681721 (VCV000681721.1), dbSNP rs3852208, ClinGen allele CA15376855.

ClinVar aggregate classification (germline): Benign (1 of 4 stars; one submission).

Allele frequency attached by ClinVar (database versions not stated): gnomAD exomes 0.03614; 1000 Genomes Project 0.11821; gnomAD 0.11907 and 0.12646; 1000 Genomes Project 30x 0.12508; TOPMed 0.13311.
gnomAD v4.1: 47,932 of 961,368 alleles (5%); highest among the groups gnomAD compares: African/African-American, 34%; 4,325 homozygotes.

Submission:

GeneDx
Classification: Benign. Last evaluated: 2018-06-16. Review status: criteria provided, single submitter. Criteria: GeneDx Variant Classification (06012015). Collection method: clinical testing. Allele origin: germline. Affected: yes.
Comment: This variant is considered likely benign or benign based on one or more of the following criteria: it is a conservative change, it occurs at a poorly conserved position in the protein, it is predicted to be benign by multiple in silico algorithms, and/or has population frequency not consistent with disease.